The following is an entry in ClinVar:

NM_001142966.3(GREB1L):c.3665G>A (p.Arg1222Gln)

Gene: GREB1L (GREB1 like retinoic acid receptor coactivator; plus strand). Cytogenetic location: 18q11.2.
Variant type: single nucleotide variant.
Coding change: c.3665G>A on transcript NM_001142966.3 (MANE Select); coding-DNA position 3665, G replaced by A.
Protein change: p.Arg1222Gln; replaces arginine 1222 with glutamine.
Molecular consequence: missense variant.
Genome position (GRCh38, 1-based): chr18:21,500,002, G>A. VCF-style: chr18-21500002-G-A. GRCh37 (hg19) VCF-style: chr18-19079963-G-A.
Other names: c.3794G>A, p.Arg1265Gln (NM_001410867.1); c.3338G>A, p.Arg1113Gln (NM_001410868.1); short protein forms R1113Q, R1222Q, R1265Q.
Identifiers: ClinVar variation 2631915 (VCV002631915.3), dbSNP rs866321290, ClinGen allele CA8906601.

ClinVar aggregate classification (germline): Uncertain significance. Review status: criteria provided, multiple submitters, no conflicts (2 of 4 stars). 2 submissions from 2 submitters: Uncertain significance (2). Last evaluated 2025-10-18.

Conditions:
GREB1L-related disorder. Also called: GREB1L-related condition.

Allele frequency attached by ClinVar (database versions not stated): 1000 Genomes Project 30x 0.00016; ExAC 0.00021; gnomAD exomes 0.00006; gnomAD 0.00006; TOPMed 0.00006.
gnomAD v4.1: 95 of 1,551,466 alleles (0.0061%); highest among the groups gnomAD compares: South Asian, 0.055%; no homozygotes.

Submissions (2):

Labcorp Genetics (formerly Invitae), Labcorp
Classification: Uncertain significance. Last evaluated: 2025-10-18. Review status: criteria provided, single submitter. Criteria: Invitae Variant Classification Sherloc (09022015). Collection method: clinical testing. Allele origin: germline.
Comment: This sequence change replaces arginine, which is basic and polar, with glutamine, which is neutral and polar, at codon 1222 of the GREB1L protein (p.Arg1222Gln). This variant is present in population databases (no rsID available, gnomAD 0.03%). This variant has not been reported in the literature in individuals affected with GREB1L-related conditions. ClinVar contains an entry for this variant (Variation ID: 2631915). An algorithm developed to predict the effect of missense changes on protein structure and function outputs the following: PolyPhen-2: "Benign". The glutamine amino acid residue is found in multiple mammalian species, which suggests that this missense change does not adversely affect protein function. In summary, the available evidence is currently insufficient to determine the role of this variant in disease. Therefore, it has been classified as a Variant of Uncertain Significance.

PreventionGenetics, part of Exact Sciences
Classification: Uncertain significance for GREB1L-related condition. Last evaluated: 2022-09-06. Review status: criteria provided, single submitter. Criteria: ACMG Guidelines, 2015. Collection method: clinical testing. Allele origin: germline.
Comment: The GREB1L c.3665G>A variant is predicted to result in the amino acid substitution p.Arg1222Gln. To our knowledge, this variant has not been reported in the literature. This variant is reported in 0.035% of alleles in individuals of South Asian descent in gnomAD. At this time, the clinical significance of this variant is uncertain due to the absence of conclusive functional and genetic evidence.